The following is an entry in ClinVar:

NM_000059.4(BRCA2):c.8944_8946del (p.Lys2982del)

Gene: BRCA2 (BRCA2 DNA repair associated; plus strand). Cytogenetic location: 13q13.1.
Variant type: Deletion.
Coding change: c.8944_8946del on transcript NM_000059.4 (MANE Select); coding-DNA positions 8944 to 8946, 3 bases deleted (AAA; older notation c.8944_8946delAAA).
Protein change: p.Lys2982del; deletes lysine 2982.
Molecular consequence: inframe deletion.
Genome position (GRCh38, 1-based): chr13:32,379,506-32,379,508, AAA deleted; deleting any 3 consecutive bases within chr13:32,379,504-32,379,508 gives the same sequence; the c. name uses the placement nearest the transcript's 3' end. VCF-style (leftmost placement, unchanged base first): chr13-32379503-GAAA-G. GRCh37 (hg19) VCF-style: chr13-32953640-GAAA-G.
Other names: short protein forms K2982del.
Identifiers: ClinVar variation 993907 (VCV000993907.13), dbSNP rs80359733, ClinGen allele CA1139663195.

ClinVar aggregate classification (germline): Uncertain significance. Review status: criteria provided, multiple submitters, no conflicts (2 of 4 stars). 2 submissions from 2 submitters: Uncertain significance (2). Last evaluated 2023-08-17.

Conditions:
Hereditary breast ovarian cancer syndrome. Also called: Hereditary breast and ovarian cancer; Hereditary breast and ovarian cancer syndrome; Breast and ovarian cancer; BRCA1- and BRCA2-Associated Hereditary Breast and Ovarian Cancer; Hereditary breast and/or ovarian cancer syndrome; Hereditary breast and ovarian cancer syndrome (HBOC). Identifiers: Orphanet 145, MedGen C0677776, MeSH D061325, MONDO:0003582. Disease mechanism: loss of function.

Submissions (2):

Labcorp Genetics (formerly Invitae), Labcorp
Classification: Uncertain significance for Hereditary breast ovarian cancer syndrome. Last evaluated: 2023-08-17. Review status: criteria provided, single submitter. Criteria: Invitae Variant Classification Sherloc (09022015). Collection method: clinical testing. Allele origin: germline.
Comment: In summary, the available evidence is currently insufficient to determine the role of this variant in disease. Therefore, it has been classified as a Variant of Uncertain Significance. Experimental studies and prediction algorithms are not available or were not evaluated, and the functional significance of this variant is currently unknown. ClinVar contains an entry for this variant (Variation ID: 993907). This variant has not been reported in the literature in individuals affected with BRCA2-related conditions. This variant is not present in population databases (gnomAD no frequency). This variant, c.8944_8946del, results in the deletion of 1 amino acid(s) of the BRCA2 protein (p.Lys2982del), but otherwise preserves the integrity of the reading frame.

ARUP Laboratories, Molecular Genetics and Genomics, ARUP Laboratories
Classification: Uncertain significance. Last evaluated: 2019-11-06. Review status: criteria provided, single submitter. Criteria: ARUP Molecular Germline Variant Investigation Process. Collection method: clinical testing. Allele origin: germline.
Comment: The BRCA2 c.8944_8946delAAA; p.Lys2982del variant, to our knowledge, is not reported in the medical literature or gene specific databases. It is also absent from general population databases (Exome Variant Server, Genome Aggregation Database), indicating it is not a common polymorphism. This variant deletes a single lysine residue leaving the rest of the protein in-frame. Due to limited information, the clinical significance of the p.Lys2982del variant is uncertain at this time.